The following is an entry in ClinVar:

ClinVar aggregate classification (germline): Uncertain significance (1 of 4 stars; one submission).

Allele frequency attached by ClinVar (database versions not stated): gnomAD 0.00001; gnomAD exomes 0.00002; ExAC 0.00005.
gnomAD v4.1: 19 of 1,210,180 alleles (0.0016%); highest among the groups gnomAD compares: Non-Finnish European, 0.0017%; no homozygotes.

Submission:

Labcorp Genetics (formerly Invitae), Labcorp
Classification: Uncertain significance. Last evaluated: 2022-09-19. Review status: criteria provided, single submitter. Criteria: Invitae Variant Classification Sherloc (09022015). Collection method: clinical testing. Allele origin: germline.
Comment: This variant has not been reported in the literature in individuals affected with DRP2-related conditions. This variant is present in population databases (rs201072667, gnomAD 0.01%). This sequence change replaces arginine, which is basic and polar, with cysteine, which is neutral and slightly polar, at codon 678 of the DRP2 protein (p.Arg678Cys). Algorithms developed to predict the effect of missense changes on protein structure and function (SIFT, PolyPhen-2, Align-GVGD) all suggest that this variant is likely to be disruptive. In summary, the available evidence is currently insufficient to determine the role of this variant in disease. Therefore, it has been classified as a Variant of Uncertain Significance.

NM_001939.3(DRP2):c.2032C>T (p.Arg678Cys)

Gene: DRP2 (dystrophin related protein 2; plus strand). Cytogenetic location: Xq22.1.
Variant type: single nucleotide variant.
Coding change: c.2032C>T on transcript NM_001939.3 (MANE Select); coding-DNA position 2032, C replaced by T.
Protein change: p.Arg678Cys; replaces arginine 678 with cysteine.
Molecular consequence: missense variant.
Genome position (GRCh38, 1-based): chrX:101,254,479, C>T. VCF-style: chrX-101254479-C-T. GRCh37 (hg19) VCF-style: chrX-100509468-C-T.
Other names: c.1798C>T, p.Arg600Cys (NM_001171184.2); short protein forms R600C, R678C.
Identifiers: ClinVar variation 1952969 (VCV001952969.5), dbSNP rs201072667, ClinGen allele CA10472391.